The following is an entry in ClinVar:

NM_032119.4(ADGRV1):c.4525C>T (p.Pro1509Ser)

Gene: ADGRV1 (adhesion G protein-coupled receptor V1; plus strand). Cytogenetic location: 5q14.3.
Variant type: single nucleotide variant.
Coding change: c.4525C>T on transcript NM_032119.4 (MANE Select); coding-DNA position 4525, C replaced by T.
Protein change: p.Pro1509Ser; replaces proline 1509 with serine.
Molecular consequence: missense variant. On other transcripts: non-coding transcript variant (1).
Genome position (GRCh38, 1-based): chr5:90,658,051, C>T. VCF-style: chr5-90658051-C-T. GRCh37 (hg19) VCF-style: chr5-89953868-C-T.
Other names: short protein forms P1509S.
Identifiers: ClinVar variation 1914416 (VCV001914416.3), dbSNP rs751786583, ClinGen allele CA3339364.

ClinVar aggregate classification (germline): Uncertain significance. Review status: criteria provided, multiple submitters, no conflicts (2 of 4 stars). 2 submissions from 2 submitters: Uncertain significance (2). Last evaluated 2022-08-16.

Allele frequency attached by ClinVar (database versions not stated): ExAC 0.00001; gnomAD 0.00001; TOPMed 0.00001; gnomAD exomes 0.00002.
gnomAD v4.1: 30 of 1,613,638 alleles (0.0019%); highest among the groups gnomAD compares: Non-Finnish European, 0.0025%; no homozygotes.

Submissions (2):

Labcorp Genetics (formerly Invitae), Labcorp
Classification: Uncertain significance. Last evaluated: 2022-08-16. Review status: criteria provided, single submitter. Criteria: Invitae Variant Classification Sherloc (09022015). Collection method: clinical testing. Allele origin: germline.
Comment: This sequence change replaces proline, which is neutral and non-polar, with serine, which is neutral and polar, at codon 1509 of the ADGRV1 protein (p.Pro1509Ser). This variant is present in population databases (rs751786583, gnomAD 0.002%). This variant has not been reported in the literature in individuals affected with ADGRV1-related conditions. Algorithms developed to predict the effect of missense changes on protein structure and function are either unavailable or do not agree on the potential impact of this missense change (SIFT: "Tolerated"; PolyPhen-2: "Possibly Damaging"; Align-GVGD: "Class C0"). In summary, the available evidence is currently insufficient to determine the role of this variant in disease. Therefore, it has been classified as a Variant of Uncertain Significance.

Blueprint Genetics
Classification: Uncertain significance. Last evaluated: 2020-01-10. Review status: criteria provided, single submitter. Criteria: ACMG Guidelines, 2015. Collection method: clinical testing. Allele origin: germline.